The following is an entry in ClinVar:

ClinVar aggregate classification (germline): Pathogenic (1 of 4 stars; one submission).

Conditions:
Neurofibromatosis, type 1 (NF1). Also called: Neurofibromatosis, type I; VON RECKLINGHAUSEN DISEASE; Peripheral type neurofibromatosis; NEUROFIBROMATOSIS, TYPE I, SOMATIC. Identifiers: Orphanet 636, MedGen C0027831, MONDO:0018975, OMIM 162200. Disease mechanism: loss of function.

Submission:

Labcorp Genetics (formerly Invitae), Labcorp
Classification: Pathogenic for Neurofibromatosis, type 1. Last evaluated: 2019-12-16. Review status: criteria provided, single submitter. Criteria: Invitae Variant Classification Sherloc (09022015). Collection method: clinical testing. Allele origin: germline.
Comment: For these reasons, this variant has been classified as Pathogenic. Loss-of-function variants in NF1 are known to be pathogenic (PMID: 10712197, 23913538). This variant has not been reported in the literature in individuals with NF1-related conditions. This variant is not present in population databases (ExAC no frequency). This sequence change creates a premature translational stop signal (p.Gln684Valfs*4) in the NF1 gene. It is expected to result in an absent or disrupted protein product.

Literature cited by the submitters: PubMed 10712197; PubMed 23913538.

NM_001042492.3(NF1):c.2049_2083del (p.Gln684fs)

Gene: NF1 (neurofibromin 1; plus strand). Cytogenetic location: 17q11.2.
Variant type: Deletion.
Coding change: c.2049_2083del on transcript NM_001042492.3 (MANE Select); coding-DNA positions 2049 to 2083, 35 bases deleted.
Protein change: p.Gln684fs; shifts the reading frame from glutamine 684.
Molecular consequence: frameshift variant.
Genome position (GRCh38, 1-based): chr17:31,226,482-31,226,516, 35 bases deleted; deleting any 35 consecutive bases within chr17:31,226,481-31,226,516 gives the same sequence; the c. name uses the placement nearest the transcript's 3' end. GRCh37 (hg19): chr17:29,553,500-29,553,534.
Other names: c.2049_2083del35, p.Gln684Valfs (NM_000267.4); short protein forms Q684fs.
Identifiers: ClinVar variation 847553 (VCV000847553.7), dbSNP rs2067016480, ClinGen allele CA916080582.